The following is an entry in ClinVar:

NM_176795.5(HRAS):c.488_507del (p.Leu163fs)

Genes: HRAS (HRas proto-oncogene, GTPase; minus strand), LRRC56 (leucine rich repeat containing 56; plus strand). Cytogenetic location: 11p15.5.
Variant type: Deletion.
Coding change: c.488_507del on transcript NM_176795.5 (MANE Plus Clinical); coding-DNA positions 488 to 507, 20 bases deleted (TCTGGGACCCCCCGGGACCC).
Protein change: p.Leu163fs; shifts the reading frame from leucine 163.
Molecular consequence: frameshift variant. On other transcripts: intron variant (2).
Genome position (GRCh38, 1-based): chr11:533,302-533,321, GGGTCCCGGGGGGTCCCAGA deleted on the plus strand (TCTGGGACCCCCCGGGACCC on the coding strand, the reverse complement: HRAS is on the minus strand); deleting any 20 consecutive bases within chr11:533,302-533,330 gives the same sequence; the c. name uses the placement nearest the transcript's 3' end. VCF-style (leftmost placement, unchanged base first): chr11-533301-TGGGTCCCGGGGGGTCCCAGA-T. GRCh37 (hg19) VCF-style: chr11-533301-TGGGTCCCGGGGGGTCCCAGA-T.
Other names: c.169_188del, p.Ser57fs (NM_001318054.2); c.450+132_450+151del (NM_005343.4, NM_001130442.3); c.488_507del20 (NM_176795.4); short protein forms L163fs, S57fs.
Identifiers: ClinVar variation 830080 (VCV000830080.10), dbSNP rs776060230, ClinGen allele CA5779258.

ClinVar aggregate classification (germline): Benign. Review status: reviewed by expert panel (3 of 4 stars). 5 submissions from 5 submitters: Benign (1). 4 of the submissions do not count toward it. Last evaluated 2019-11-04.

Conditions:
RASopathy. Also called: Noonan spectrum disorder; rasopathies. Identifiers: Orphanet 536391, MedGen C5555857, MONDO:0021060.
Costello syndrome (CSTLO). Also called: FCS SYNDROME; FACIOCUTANEOSKELETAL SYNDROME; HRAS-Related Costello Syndrome. Identifiers: Orphanet 3071, MedGen C0587248, MONDO:0009026, OMIM 218040.
HRAS-related disorder. Also called: HRAS-related condition.

Submissions (5):

ClinGen RASopathy Variant Curation Expert Panel
Classification: Benign for RASopathy. Last evaluated: 2019-11-04. Review status: reviewed by expert panel. Criteria: ClinGen RASopathy ACMG Specifications v1. Collection method: curation. Allele origin: germline. Inheritance: Autosomal dominant inheritance.
Comment: The c.488_507delTCTGGGACCCCCCGGGACCC (p.Leu163HisfsTer30) variant in HRAS is classified as benign because it has been identified in 0.07227% (lower bound of the 95% CI of 21/19470) of East Asian chromosomes in gnomAD (BA1). This variant was observed in 1 fetus and 1 older proband with clinical presentations that lacked clear associations with a RASopathy. In summary, this variant meets criteria to be classified as benign. ACMG/AMP Criteria applied: BA1.

Labcorp Genetics (formerly Invitae), Labcorp
Classification: Benign for Costello syndrome. Last evaluated: 2025-08-09. Review status: criteria provided, single submitter. Criteria: Invitae Variant Classification Sherloc (09022015). Collection method: clinical testing. Allele origin: germline. Not counted in ClinVar's aggregate classification.

Blueprint Genetics
Classification: Likely benign. Last evaluated: 2024-09-17. Review status: criteria provided, single submitter. Criteria: ACMG Guidelines, 2015. Collection method: clinical testing. Allele origin: germline. Not counted in ClinVar's aggregate classification.

GeneDx
Classification: Benign. Last evaluated: 2021-01-19. Review status: criteria provided, single submitter. Criteria: GeneDx Variant Classification Process June 2021. Collection method: clinical testing. Allele origin: germline. Affected: yes. Not counted in ClinVar's aggregate classification.

PreventionGenetics, part of Exact Sciences
Classification: Likely benign for HRAS-related condition. Last evaluated: 2020-09-01. Review status: no assertion criteria provided. Collection method: clinical testing. Allele origin: germline. Not counted in ClinVar's aggregate classification.
Comment: This variant is classified as likely benign based on ACMG/AMP sequence variant interpretation guidelines (Richards et al. 2015 PMID: 25741868, with internal and published modifications).